The following is an entry in ClinVar:

NM_005506.4(SCARB2):c.246G>C (p.Arg82=)

Gene: SCARB2 (scavenger receptor class B member 2; minus strand). Cytogenetic location: 4q21.1.
Variant type: single nucleotide variant.
Coding change: c.246G>C on transcript NM_005506.4 (MANE Select); coding-DNA position 246, G replaced by C.
Protein change: p.Arg82=; no amino-acid change (arginine 82 retained).
Molecular consequence: synonymous variant.
Genome position (GRCh38, 1-based): chr4:76,195,736, C>G on the plus strand (G>C on the coding strand, the complement: SCARB2 is on the minus strand). VCF-style: chr4-76195736-C-G. GRCh37 (hg19) VCF-style: chr4-77116889-C-G.
Other names: p.R82R:CGG>CGC; p.Arg82=; c.246G>C, p.Arg82= (NM_001204255.2).
Identifiers: ClinVar variation 195245 (VCV000195245.24), dbSNP rs35035064, ClinGen allele CA241585.
Genomic context (GRCh38, chr4:76,195,736, plus strand): 5'-TCTTTCAAGACAGGAGGTGGTCAAGACTTACCTGTAGGTGTATGGCCCCACTTCTTCCAC[C>G]CGAGGGGTCTCCCCTCTGAGGATCTCCTCTGGATTGGTGACATTGAAGAAATAGAACTGA-3'
Protein context (NP_005497.1, residues 72-92): PEEILRGETP[Arg82=]VEEVGPYTYR

ClinVar aggregate classification (germline): Benign/Likely benign. Review status: criteria provided, multiple submitters, no conflicts (2 of 4 stars). 9 submissions from 9 submitters: Benign (3); Likely benign (5). 1 of the submissions does not count toward it. Last evaluated 2026-01-21.

Conditions:
SCARB2-related disorder. Also called: SCARB2-related condition.
Progressive myoclonic epilepsy. Also called: Myoclonus epilepsy; Familial progressive myoclonic epilepsy; Progressive myoclonus epilepsy; Myoclonic Epilepsies, Progressive. Identifiers: Orphanet 308, Orphanet 98261, MedGen C0751778, MONDO:0020074.
Inborn genetic diseases. Identifiers: MedGen C0950123, MeSH D030342.
Action myoclonus-renal failure syndrome. Also called: MYOCLONUS-NEPHROPATHY SYNDROME; SCARB2-Related Action Myoclonus-Renal Failure Syndrome; EPILEPSY, PROGRESSIVE MYOCLONIC, 4, WITH RENAL FAILURE; EPILEPSY, PROGRESSIVE MYOCLONIC, 4, WITHOUT RENAL FAILURE. Identifiers: Orphanet 163696, MedGen C0751779, MeSH D020191, MONDO:0009699, OMIM 254900.

Allele frequency attached by ClinVar (database versions not stated): gnomAD exomes 0.00008 and 0.00023; ExAC 0.00030; gnomAD 0.00111 and 0.00116; TOPMed 0.00125; 1000 Genomes Project 0.00140; 1000 Genomes Project 30x 0.00141; ESP Exome Variant Server 0.00169.

Submissions (9):

Labcorp Genetics (formerly Invitae), Labcorp
Classification: Benign for Progressive myoclonic epilepsy. Last evaluated: 2026-01-21. Review status: criteria provided, single submitter. Criteria: Invitae Variant Classification Sherloc (09022015). Collection method: clinical testing. Allele origin: germline.

Mayo Clinic Laboratories, Mayo Clinic
Classification: Likely benign. Last evaluated: 2025-03-11. Review status: criteria provided, single submitter. Criteria: ACMG Guidelines, 2015. Collection method: clinical testing. Allele origin: germline. Observed: 2 variant alleles.
Comment: BP4, BP7

Blueprint Genetics
Classification: Likely benign. Last evaluated: 2024-10-02. Review status: criteria provided, single submitter. Criteria: ACMG Guidelines, 2015. Collection method: clinical testing. Allele origin: germline.

Fulgent Genetics
Classification: Likely benign for Action myoclonus-renal failure syndrome. Last evaluated: 2021-10-05. Review status: criteria provided, single submitter. Criteria: ACMG Guidelines, 2015. Collection method: clinical testing. Allele origin: unknown.

Ambry Genetics
Classification: Likely benign for Inborn genetic diseases. Last evaluated: 2019-02-23. Review status: criteria provided, single submitter. Criteria: Ambry Variant Classification Scheme 2023. Collection method: clinical testing. Allele origin: germline.

Athena Diagnostics
Classification: Benign. Last evaluated: 2018-10-22. Review status: criteria provided, single submitter. Criteria: Athena Diagnostics Criteria. Collection method: clinical testing. Allele origin: germline.

Eurofins Ntd Llc (ga)
Classification: Likely benign. Last evaluated: 2016-08-09. Review status: criteria provided, single submitter. Criteria: EGL Classification Definitions 2015. Collection method: clinical testing. Allele origin: germline. Observed: 2 variant alleles, 2 heterozygotes.

GeneDx
Classification: Benign. Last evaluated: 2015-01-16. Review status: criteria provided, single submitter. Criteria: GeneDx Variant Classification (06012015). Collection method: clinical testing. Allele origin: germline. Affected: yes.
Comment: This variant is considered likely benign or benign based on one or more of the following criteria: it is a conservative change, it occurs at a poorly conserved position in the protein, it is predicted to be benign by multiple in silico algorithms, and/or has population frequency not consistent with disease.

PreventionGenetics, part of Exact Sciences
Classification: Likely benign for SCARB2-related condition. Last evaluated: 2019-11-13. Review status: no assertion criteria provided. Collection method: clinical testing. Allele origin: germline. Not counted in ClinVar's aggregate classification.
Comment: This variant is classified as likely benign based on ACMG/AMP sequence variant interpretation guidelines (Richards et al. 2015 PMID: 25741868, with internal and published modifications).